The following is an entry in ClinVar:

NM_000214.3(JAG1):c.851G>C (p.Cys284Ser)

Gene: JAG1 (jagged canonical Notch ligand 1; minus strand). Cytogenetic location: 20p12.2.
Variant type: single nucleotide variant.
Coding change: c.851G>C on transcript NM_000214.3 (MANE Select); coding-DNA position 851, G replaced by C.
Protein change: p.Cys284Ser; replaces cysteine 284 with serine.
Molecular consequence: missense variant.
Genome position (GRCh38, 1-based): chr20:10,652,503, C>G on the plus strand (G>C on the coding strand, the complement: JAG1 is on the minus strand). VCF-style: chr20-10652503-C-G. GRCh37 (hg19) VCF-style: chr20-10633151-C-G.
Other names: c.851G>C, p.Cys284Ser (LRG_1191t1); short protein forms C284S.
Identifiers: ClinVar variation 500388 (VCV000500388.7), dbSNP rs1555829067, ClinGen allele CA408239272.

ClinVar aggregate classification (germline): Uncertain significance (1 of 4 stars; one submission).

Submissions (2):

Eurofins Ntd Llc (ga)
Classification: Uncertain significance. Last evaluated: 2018-05-31. Review status: criteria provided, single submitter. Criteria: EGL ClinVar v180209 classification definitions. Collection method: clinical testing. Allele origin: germline. Observed: 2 variant alleles, 2 heterozygotes.

Gilbert/Spinner Lab, Children's Hospital of Philadelphia
No classification provided (evidence only). Condition: Alagille syndrome. Review status: no classification provided. Collection method: research. Allele origin: not applicable. Functional consequence: functionally_abnormal. Not counted in ClinVar's aggregate classification.
ClinVar note: "not provided" was previously submitted as the classification for the variant. However, the classification appeared to be based only on an observation of functional data so it was converted to no classification on 2025-07-30.